The following is an entry in ClinVar:

NM_000275.3(OCA2):c.155C>G (p.Pro52Arg)

Gene: OCA2 (OCA2 melanosomal transmembrane protein; minus strand). Cytogenetic location: 15q13.1.
Variant type: single nucleotide variant.
Coding change: c.155C>G on transcript NM_000275.3 (MANE Select); coding-DNA position 155, C replaced by G.
Protein change: p.Pro52Arg; replaces proline 52 with arginine.
Molecular consequence: missense variant.
Genome position (GRCh38, 1-based): chr15:28,081,720, G>C on the plus strand (C>G on the coding strand, the complement: OCA2 is on the minus strand). VCF-style: chr15-28081720-G-C. GRCh37 (hg19) VCF-style: chr15-28326866-G-C.
Other names: c.155C>G, p.Pro52Arg (NM_001300984.2); short protein forms P52R.
Identifiers: ClinVar variation 1345116 (VCV001345116.8), dbSNP rs200885801, ClinGen allele CA7439566.
Genomic context (GRCh38, chr15:28,081,720, plus strand): 5'-AGGAATGAAGCAAACTCCTGGCCTGCAGGAGCCCAAGAGCTCTGCCCGGCAGCCCCCCTG[G>C]GGCAGGAGTGCGAGGGGTCAGCTCCACCGGCTCCCCGAGGAAGCCTGCGCTTGCCGGCCA-3'
Protein context (NP_000266.2, residues 42-62): AGGADPSHSC[Pro52Arg]RGAAGQSSWA

ClinVar aggregate classification (germline): Uncertain significance (1 of 4 stars; one submission).

Allele frequency attached by ClinVar (database versions not stated): ExAC 0.00001; gnomAD 0.00001; 1000 Genomes Project 30x 0.00016; 1000 Genomes Project 0.00020.
gnomAD v4.1: 2 of 1,613,722 alleles (0.00012%); highest among the groups gnomAD compares: Non-Finnish European, 0.00017%; no homozygotes.

Submission:

Labcorp Genetics (formerly Invitae), Labcorp
Classification: Uncertain significance. Last evaluated: 2021-04-13. Review status: criteria provided, single submitter. Criteria: Invitae Variant Classification Sherloc (09022015). Collection method: clinical testing. Allele origin: germline.
Comment: In summary, the available evidence is currently insufficient to determine the role of this variant in disease. Therefore, it has been classified as a Variant of Uncertain Significance. Advanced modeling of protein sequence and biophysical properties (such as structural, functional, and spatial information, amino acid conservation, physicochemical variation, residue mobility, and thermodynamic stability) performed at Invitae indicates that this missense variant is not expected to disrupt OCA2 protein function. This variant has not been reported in the literature in individuals with OCA2-related conditions. This variant is present in population databases (rs200885801, ExAC 0.002%). This sequence change replaces proline with arginine at codon 52 of the OCA2 protein (p.Pro52Arg). The proline residue is weakly conserved and there is a moderate physicochemical difference between proline and arginine.